The following is an entry in ClinVar:

ClinVar aggregate classification (germline): Uncertain significance. Review status: criteria provided, multiple submitters, no conflicts (2 of 4 stars). 2 submissions from 2 submitters: Uncertain significance (2). Last evaluated 2025-10-21.

Conditions:
Hereditary cancer-predisposing syndrome. Also called: Neoplastic Syndromes, Hereditary; Hereditary Cancer Syndrome; Tumor predisposition; Hereditary neoplastic syndrome. Identifiers: Orphanet 140162, MedGen C0027672, MeSH D009386, MONDO:0015356.
Retinoblastoma (RB1). Also called: RETINOBLASTOMA, SOMATIC. Identifiers: Orphanet 790, MedGen C0035335, MeSH D012175, MONDO:0008380, OMIM 180200, HP:0009919. Disease mechanism: loss of function. Inheritance: Both sporadic and heritable forms are tested..

gnomAD v4.1: 1 of 1,492,670 alleles (0.000067%); highest among the groups gnomAD compares: Non-Finnish European, 0.000089%; no homozygotes.

Submissions (2):

Ambry Genetics
Classification: Uncertain significance for Hereditary cancer-predisposing syndrome. Last evaluated: 2025-10-21. Review status: criteria provided, single submitter. Criteria: Ambry Variant Classification Scheme 2023. Collection method: clinical testing. Allele origin: germline.
Comment: The p.P33T variant (also known as c.97C>A), located in coding exon 1 of the RB1 gene, results from a C to A substitution at nucleotide position 97. The proline at codon 33 is replaced by threonine, an amino acid with highly similar properties. This amino acid position is conserved. In addition, the in silico prediction for this alteration is inconclusive. Based on the available evidence, the clinical significance of this variant remains unclear.

All of Us Research Program, National Institutes of Health
Classification: Uncertain significance for Retinoblastoma. Last evaluated: 2024-08-06. Review status: criteria provided, single submitter. Criteria: ACMG Guidelines, 2015. Collection method: clinical testing. Allele origin: germline. Inheritance: Autosomal dominant inheritance. Observed: 1 variant allele, 1 heterozygote.
Comment: This study involves interpretation of variants in research participants for the purpose of population health screening. Participant phenotype was not available at the time of variant classification. Additional details can be found in publication PMID: 35346344, PMCID: PMC8962531

NM_000321.3(RB1):c.97C>A (p.Pro33Thr)

Gene: RB1 (RB transcriptional corepressor 1; plus strand). Cytogenetic location: 13q14.2.
Variant type: single nucleotide variant.
Coding change: c.97C>A on transcript NM_000321.3 (MANE Select); coding-DNA position 97, C replaced by A.
Protein change: p.Pro33Thr; replaces proline 33 with threonine.
Molecular consequence: missense variant.
Genome position (GRCh38, 1-based): chr13:48,304,009, C>A. VCF-style: chr13-48304009-C-A. GRCh37 (hg19) VCF-style: chr13-48878145-C-A.
Other names: c.97C>A, p.Pro33Thr (NM_001407165.1, NM_001407166.1, NM_001407167.1); short protein forms P33T.
Identifiers: ClinVar variation 3387551 (VCV003387551.2).
Genomic context (GRCh38, chr13:48,304,009, plus strand): 5'-GCCGCCGCTGCCGCCGCGGAACCCCCGGCACCGCCGCCGCCGCCCCCTCCTGAGGAGGAC[C>A]CAGAGCAGGACAGCGGCCCGGAGGACCTGCCTCTCGTCAGGTGAGCGAGCAGAGCCGCCG-3'
Protein context (NP_000312.2, residues 23-43): PPPPPPPEED[Pro33Thr]EQDSGPEDLP